The following is an entry in ClinVar:

ClinVar aggregate classification (germline): Uncertain significance. Review status: criteria provided, multiple submitters, no conflicts (2 of 4 stars). 2 submissions from 2 submitters: Uncertain significance (2). Last evaluated 2024-11-28.

Conditions:
Methylmalonic acidemia with homocystinuria, type cblX (MAHCX). Also called: INTELLECTUAL DEVELOPMENTAL DISORDER, X-LINKED 3. Identifiers: Orphanet 369962, MedGen C0796208, MONDO:0010657, OMIM 309541.
Inborn genetic diseases. Identifiers: MedGen C0950123, MeSH D030342.

Allele frequency attached by ClinVar (database versions not stated): gnomAD exomes below 0.00001; gnomAD 0.00001.
gnomAD v4.1: 2 of 1,208,345 alleles (0.00017%); highest among the groups gnomAD compares: Non-Finnish European, 0.00022%; no homozygotes.

Submissions (2):

Labcorp Genetics (formerly Invitae), Labcorp
Classification: Uncertain significance for Methylmalonic acidemia with homocystinuria, type cblX. Last evaluated: 2024-11-28. Review status: criteria provided, single submitter. Criteria: Invitae Variant Classification Sherloc (09022015). Collection method: clinical testing. Allele origin: germline.
Comment: This sequence change replaces proline, which is neutral and non-polar, with leucine, which is neutral and non-polar, at codon 1494 of the HCFC1 protein (p.Pro1494Leu). This variant is present in population databases (no rsID available, gnomAD 0.01%). This variant has not been reported in the literature in individuals affected with HCFC1-related conditions. ClinVar contains an entry for this variant (Variation ID: 2313045). An algorithm developed to predict the effect of missense changes on protein structure and function (PolyPhen-2) suggests that this variant is likely to be disruptive. In summary, the available evidence is currently insufficient to determine the role of this variant in disease. Therefore, it has been classified as a Variant of Uncertain Significance.

Ambry Genetics
Classification: Uncertain significance for Inborn genetic diseases. Last evaluated: 2022-09-22. Review status: criteria provided, single submitter. Criteria: Ambry Variant Classification Scheme 2023. Collection method: clinical testing. Allele origin: germline.

NM_005334.3(HCFC1):c.4481C>T (p.Pro1494Leu)

Genes: HCFC1 (host cell factor C1; minus strand), LOC130068842 (ATAC-STARR-seq lymphoblastoid active region 30044; plus strand). Cytogenetic location: Xq28.
Variant type: single nucleotide variant.
Coding change: c.4481C>T on transcript NM_005334.3 (MANE Select); coding-DNA position 4481, C replaced by T.
Protein change: p.Pro1494Leu; replaces proline 1494 with leucine.
Molecular consequence: missense variant.
Genome position (GRCh38, 1-based): chrX:153,953,623, G>A on the plus strand (C>T on the coding strand, the complement: HCFC1 is on the minus strand). VCF-style: chrX-153953623-G-A. GRCh37 (hg19) VCF-style: chrX-153219074-G-A.
Other names: c.4481C>T, p.Pro1494Leu (NM_001410705.1); short protein forms P1494L.
Identifiers: ClinVar variation 2313045 (VCV002313045.5), dbSNP rs1446971324, ClinGen allele CA415114556.
Genomic context (GRCh38, chrX:153,953,623, plus strand): 5'-TAGGCCGGGAAGGCGGGGAAGAACACGGCCCCCTGGGCTCTTACCGGCACAGAGGGGCCC[G>A]GGACCGGTGTGGACTGCGTCACGGTGGTCACAGCCCGCGTCAGTGTGGAGGACACGGTTG-3'
Protein context (NP_005325.2, residues 1484-1504): VTTVTQSTPV[Pro1494Leu]GPSVPPPEEL